The following is an entry in ClinVar:

ClinVar aggregate classification (germline): Likely benign. Review status: criteria provided, multiple submitters, no conflicts (2 of 4 stars). 3 submissions from 3 submitters: Likely benign (2). 1 of the submissions does not count toward it. Last evaluated 2026-01-19.

Conditions:
NANS-related disorder. Also called: NANS-related condition.

Allele frequency attached by ClinVar (database versions not stated): ESP Exome Variant Server 0.00031; gnomAD 0.00031 and 0.00034; ExAC 0.00034; gnomAD exomes 0.00044.
gnomAD v4.1: 676 of 1,614,190 alleles (0.042%); highest among the groups gnomAD compares: Non-Finnish European, 0.047%; 1 homozygote.

Submissions (3):

Labcorp Genetics (formerly Invitae), Labcorp
Classification: Likely benign. Last evaluated: 2026-01-19. Review status: criteria provided, single submitter. Criteria: Invitae Variant Classification Sherloc (09022015). Collection method: clinical testing. Allele origin: germline.

Blueprint Genetics
Classification: Likely benign. Last evaluated: 2024-11-14. Review status: criteria provided, single submitter. Criteria: ACMG Guidelines, 2015. Collection method: clinical testing. Allele origin: germline.

PreventionGenetics, part of Exact Sciences
Classification: Likely benign for NANS-related condition. Last evaluated: 2019-03-15. Review status: no assertion criteria provided. Collection method: clinical testing. Allele origin: germline. Not counted in ClinVar's aggregate classification.
Comment: This variant is classified as likely benign based on ACMG/AMP sequence variant interpretation guidelines (Richards et al. 2015 PMID: 25741868, with internal and published modifications).

NM_018946.4(NANS):c.804T>G (p.Leu268=)

Genes: NANS (N-acetylneuraminate synthase; plus strand), TRIM14 (tripartite motif containing 14; minus strand). Cytogenetic location: 9q22.33.
Variant type: single nucleotide variant.
Coding change: c.804T>G on transcript NM_018946.4 (MANE Select); coding-DNA position 804, T replaced by G.
Protein change: p.Leu268=; no amino-acid change (leucine 268 retained).
Molecular consequence: synonymous variant.
Genome position (GRCh38, 1-based): chr9:98,081,016, T>G. VCF-style: chr9-98081016-T-G. GRCh37 (hg19) VCF-style: chr9-100843298-T-G.
Other names: c.804T>G (NM_018946.3).
Identifiers: ClinVar variation 1589547 (VCV001589547.11), dbSNP rs139463249, ClinGen allele CA5150392.